The following is an entry in ClinVar:

NM_001184900.3(CARD8):c.1346C>T (p.Ser449Leu)

Gene: CARD8 (caspase recruitment domain family member 8; minus strand). Cytogenetic location: 19q13.33.
Variant type: single nucleotide variant.
Coding change: c.1346C>T on transcript NM_001184900.3 (MANE Select); coding-DNA position 1346, C replaced by T.
Protein change: p.Ser449Leu; replaces serine 449 with leucine.
Molecular consequence: missense variant. On other transcripts: 3 prime UTR variant (7), non-coding transcript variant (4).
Genome position (GRCh38, 1-based): chr19:48,215,342, G>A on the plus strand (C>T on the coding strand, the complement: CARD8 is on the minus strand). VCF-style: chr19-48215342-G-A. GRCh37 (hg19) VCF-style: chr19-48718599-G-A.
Other names: c.1196C>T, p.Ser399Leu (NM_001184901.1, NM_001351783.2, NM_014959.5); c.*25C>T (NM_001184902.2, NM_001184903.1, NM_001351788.2 and 4 more transcripts); c.1346C>T, p.Ser449Leu (NM_001351782.2); c.1031C>T, p.Ser344Leu (NM_001351784.2, NM_001351787.2); c.1010C>T, p.Ser337Leu (NM_001351786.2); c.1028C>T, p.Ser343Leu (NM_001365950.1); c.521C>T, p.Ser174Leu (NM_001426741.1); short protein forms S449L, S337L, S344L, S174L, S343L, S399L.
Identifiers: ClinVar variation 2983092 (VCV002983092.3), dbSNP rs1454908680, ClinGen allele CA406663494.

ClinVar aggregate classification (germline): Uncertain significance (1 of 4 stars; one submission).

Allele frequency attached by ClinVar (database versions not stated): gnomAD exomes below 0.00001; gnomAD 0.00001; TOPMed 0.00001.
gnomAD v4.1: 4 of 1,609,358 alleles (0.00025%); highest among the groups gnomAD compares: Admixed American, 0.0017%; no homozygotes.

Submission:

Labcorp Genetics (formerly Invitae), Labcorp
Classification: Uncertain significance. Last evaluated: 2023-11-18. Review status: criteria provided, single submitter. Criteria: Invitae Variant Classification Sherloc (09022015). Collection method: clinical testing. Allele origin: germline.
Comment: This sequence change replaces serine, which is neutral and polar, with leucine, which is neutral and non-polar, at codon 399 of the CARD8 protein (p.Ser399Leu). This variant is not present in population databases (gnomAD no frequency). This variant has not been reported in the literature in individuals affected with CARD8-related conditions. An algorithm developed to predict the effect of missense changes on protein structure and function (PolyPhen-2) suggests that this variant is likely to be disruptive. In summary, the available evidence is currently insufficient to determine the role of this variant in disease. Therefore, it has been classified as a Variant of Uncertain Significance.